The following is an entry in ClinVar:

ClinVar aggregate classification (germline): Uncertain significance (1 of 4 stars; one submission).

Submission:

Ambry Genetics
Classification: Uncertain significance. Last evaluated: 2024-03-23. Review status: criteria provided, single submitter. Criteria: Ambry Variant Classification Scheme 2023. Collection method: clinical testing. Allele origin: germline.
Comment: The p.V386A variant (also known as c.1157T>C), located in coding exon 8 of the IDH1 gene, results from a T to C substitution at nucleotide position 1157. The valine at codon 386 is replaced by alanine, an amino acid with similar properties. This amino acid position is conserved. In addition, this alteration is predicted to be deleterious by in silico analysis. Based on the available evidence, the clinical significance of this alteration remains unclear.

NM_005896.4(IDH1):c.1157T>C (p.Val386Ala)

Gene: IDH1 (isocitrate dehydrogenase (NADP(+)) 1; minus strand). Cytogenetic location: 2q34.
Variant type: single nucleotide variant.
Coding change: c.1157T>C on transcript NM_005896.4 (MANE Select); coding-DNA position 1157, T replaced by C.
Protein change: p.Val386Ala; replaces valine 386 with alanine.
Molecular consequence: missense variant.
Genome position (GRCh38, 1-based): chr2:208,237,167, A>G on the plus strand (T>C on the coding strand, the complement: IDH1 is on the minus strand). VCF-style: chr2-208237167-A-G. GRCh37 (hg19) VCF-style: chr2-209101891-A-G.
Other names: c.1157T>C, p.Val386Ala (NM_001282386.1, NM_001282387.1); short protein forms V386A.
Identifiers: ClinVar variation 3285231 (VCV003285231.1).